The following is an entry in ClinVar:

NM_007194.4(CHEK2):c.491G>T (p.Ser164Ile)

Gene: CHEK2 (checkpoint kinase 2; minus strand). Cytogenetic location: 22q12.1.
Variant type: single nucleotide variant.
Coding change: c.491G>T on transcript NM_007194.4 (MANE Select); coding-DNA position 491, G replaced by T.
Protein change: p.Ser164Ile; replaces serine 164 with isoleucine.
Molecular consequence: missense variant. On other transcripts: 5 prime UTR variant (2), intron variant (1).
Genome position (GRCh38, 1-based): chr22:28,725,078, C>A on the plus strand (G>T on the coding strand, the complement: CHEK2 is on the minus strand). VCF-style: chr22-28725078-C-A. GRCh37 (hg19) VCF-style: chr22-29121066-C-A.
Other names: c.584G>T, p.Ser195Ile (NM_001438293.1, NM_001438295.1); c.620G>T, p.Ser207Ile (NM_001005735.3, NM_001438294.1); c.-287G>T (NM_001257387.3); c.-173G>T (NM_001437942.1); c.491G>T, p.Ser164Ile (NM_145862.3); c.445-155G>T (NM_001349956.3); short protein forms S164I, S207I, S195I.
Identifiers: ClinVar variation 2562252 (VCV002562252.4), dbSNP rs1555926921, ClinGen allele CA411107521.

ClinVar aggregate classification (germline): Uncertain significance. Review status: criteria provided, multiple submitters, no conflicts (2 of 4 stars). 2 submissions from 2 submitters: Uncertain significance (2). Last evaluated 2024-08-31.

Conditions:
Hereditary cancer-predisposing syndrome. Also called: Neoplastic Syndromes, Hereditary; Hereditary Cancer Syndrome; Hereditary neoplastic syndrome; Tumor predisposition. Identifiers: Orphanet 140162, MedGen C0027672, MeSH D009386, MONDO:0015356.
Familial cancer of breast. Also called: Hereditary breast cancer; hereditary breast carcinoma; BREAST CANCER, FAMILIAL. Identifiers: Orphanet 227535, MedGen C0346153, MONDO:0016419, OMIM 114480. Disease mechanism: loss of function.

Submissions (2):

Labcorp Genetics (formerly Invitae), Labcorp
Classification: Uncertain significance for Familial cancer of breast. Last evaluated: 2024-08-31. Review status: criteria provided, single submitter. Criteria: Invitae Variant Classification Sherloc (09022015). Collection method: clinical testing. Allele origin: germline.
Comment: This sequence change replaces serine, which is neutral and polar, with isoleucine, which is neutral and non-polar, at codon 164 of the CHEK2 protein (p.Ser164Ile). This variant is not present in population databases (gnomAD no frequency). This variant has not been reported in the literature in individuals affected with CHEK2-related conditions. ClinVar contains an entry for this variant (Variation ID: 2562252). An algorithm developed to predict the effect of missense changes on protein structure and function (PolyPhen-2) suggests that this variant is likely to be disruptive. In summary, the available evidence is currently insufficient to determine the role of this variant in disease. Therefore, it has been classified as a Variant of Uncertain Significance.

Ambry Genetics
Classification: Uncertain significance for Hereditary cancer-predisposing syndrome. Last evaluated: 2023-03-30. Review status: criteria provided, single submitter. Criteria: Ambry Variant Classification Scheme 2023. Collection method: clinical testing. Allele origin: germline.
Comment: The p.S164I variant (also known as c.491G>T), located in coding exon 3 of the CHEK2 gene, results from a G to T substitution at nucleotide position 491. The serine at codon 164 is replaced by isoleucine, an amino acid with dissimilar properties. This amino acid position is conserved. In addition, this alteration is predicted to be deleterious by in silico analysis. Since supporting evidence is limited at this time, the clinical significance of this alteration remains unclear.